The following is an entry in ClinVar:

ClinVar aggregate classification (germline): Uncertain significance. Review status: criteria provided, multiple submitters, no conflicts (2 of 4 stars). 2 submissions from 2 submitters: Uncertain significance (2). Last evaluated 2024-04-17.

Conditions:
Renal cysts and diabetes syndrome (RCAD). Also called: Familial hypoplastic, glomerulocystic kidney; MATURITY-ONSET DIABETES OF THE YOUNG, TYPE 5. Identifiers: Orphanet 93111, MedGen C0431693, MONDO:0007669, OMIM 137920.
Atrioventricular septal defect 4 (AVSD4). Identifiers: MedGen C3280781, MONDO:0013747, OMIM 614430.

gnomAD v4.1: 1 of 1,614,244 alleles (0.000062%); highest among the groups gnomAD compares: Non-Finnish European, 0.000085%; no homozygotes.

Submissions (2):

Labcorp Genetics (formerly Invitae), Labcorp
Classification: Uncertain significance for Atrioventricular septal defect 4. Last evaluated: 2024-04-17. Review status: criteria provided, single submitter. Criteria: Invitae Variant Classification Sherloc (09022015). Collection method: clinical testing. Allele origin: germline.
Comment: This sequence change replaces methionine, which is neutral and non-polar, with lysine, which is basic and polar, at codon 207 of the GATA4 protein (p.Met207Lys). This variant is not present in population databases (gnomAD no frequency). This variant has not been reported in the literature in individuals affected with GATA4-related conditions. ClinVar contains an entry for this variant (Variation ID: 873058). Advanced modeling of protein sequence and biophysical properties (such as structural, functional, and spatial information, amino acid conservation, physicochemical variation, residue mobility, and thermodynamic stability) performed at Invitae indicates that this missense variant is not expected to disrupt GATA4 protein function with a negative predictive value of 80%. In summary, the available evidence is currently insufficient to determine the role of this variant in disease. Therefore, it has been classified as a Variant of Uncertain Significance.

Foundation for Research in Genetics and Endocrinology, FRIGE's Institute of Human Genetics
Classification: Uncertain significance for Renal cysts and diabetes syndrome. Last evaluated: 2020-03-18. Review status: criteria provided, single submitter. Criteria: ACMG Guidelines, 2015. Collection method: clinical testing. Allele origin: germline. Inheritance: Autosomal dominant inheritance. Affected: yes. Observed: 1 heterozygote.
Comment: A heterozygous missense variation in exon 3 of the GATA4 gene that results in the amino acid substitution of Lysine for Methionine at codon 207 was detected. The observed variant c.620T>A (p.Met207Lys) has not been reported in the 1000 genomes and ExAC databases. Mutations in the GATA4 gene are associated with neonatal and childhood-onset diabetes (Shaw-Smith C. et al 2014). The in silico prediction of the variant is damaging by SIFT and MutationTaster2. The reference codon is conserved across mammals. In summary, the variant meets our criteria to be classed as a variant of unknown significance.

NM_001308093.3(GATA4):c.623T>A (p.Met208Lys)

Gene: GATA4 (GATA binding protein 4). Cytogenetic location: 8p23.1.
Variant type: single nucleotide variant.
Coding change: c.623T>A on transcript NM_001308093.3 (MANE Select); coding-DNA position 623, T replaced by A.
Protein change: p.Met208Lys; replaces methionine 208 with lysine.
Molecular consequence: missense variant. On other transcripts: initiator codon variant (3).
Genome position (GRCh38, 1-based): chr8:11,748,922, T>A. VCF-style: chr8-11748922-T-A. GRCh37 (hg19) VCF-style: chr8-11606431-T-A.
Other names: c.2T>A, p.Met1Lys (NM_001308094.2, NM_001374273.1, NM_001374274.1); c.620T>A, p.Met207Lys (NM_002052.5); short protein forms M208K, M207K, M1K.
Identifiers: ClinVar variation 873058 (VCV000873058.9), dbSNP rs140892695, ClinGen allele CA370312525.
Genomic context (GRCh38, chr8:11,748,922, plus strand): 5'-ATAAACAAAGAATTAATCCTCTGTGTCTTTTCTTGTCTGTTCCCCCCAACTCAGTAGATA[T>A]GTTTGACGACTTCTCAGAAGGCAGAGAGTGTGTCAACTGTGGGGCTATGTCCACCCCGCT-3'
Protein context (NP_001295022.1, residues 198-218): PAARHPNLVD[Met208Lys]FDDFSEGREC